The following is an entry in ClinVar:

NM_017570.5(OPLAH):c.1845-20G>A

Gene: OPLAH (5-oxoprolinase, ATP-hydrolysing; minus strand). Cytogenetic location: 8q24.3.
Variant type: single nucleotide variant.
Coding change: c.1845-20G>A on transcript NM_017570.5 (MANE Select); 20 bases into the intron before coding-DNA position 1845, G replaced by A.
Molecular consequence: intron variant.
Genome position (GRCh38, 1-based): chr8:144,056,543, C>T on the plus strand (G>A on the coding strand, the complement: OPLAH is on the minus strand). VCF-style: chr8-144056543-C-T. GRCh37 (hg19) VCF-style: chr8-145111446-C-T.
Identifiers: ClinVar variation 1957232 (VCV001957232.5), dbSNP rs2540260003, ClinGen allele CA2580078646.

ClinVar aggregate classification (germline): Uncertain significance (1 of 4 stars; one submission).

Conditions:
5-Oxoprolinase deficiency (OPLAHD). Also called: 5-OXOPROLINURIA DUE TO 5-OXOPROLINASE DEFICIENCY. Identifiers: Orphanet 33572, MedGen C0268525, MONDO:0009825, OMIM 260005, HP:0040142.

Allele frequency attached by ClinVar (database versions not stated): gnomAD exomes below 0.00001.
gnomAD v4.1: 1 of 1,612,216 alleles (0.000062%); highest among the groups gnomAD compares: Admixed American, 0.0017%; no homozygotes.

Submission:

Labcorp Genetics (formerly Invitae), Labcorp
Classification: Uncertain significance for 5-Oxoprolinase deficiency. Last evaluated: 2022-07-19. Review status: criteria provided, single submitter. Criteria: Invitae Variant Classification Sherloc (09022015). Collection method: clinical testing. Allele origin: germline.
Comment: In summary, the available evidence is currently insufficient to determine the role of this variant in disease. Therefore, it has been classified as a Variant of Uncertain Significance. Algorithms developed to predict the effect of sequence changes on RNA splicing suggest that this variant may disrupt the consensus splice site. This variant has not been reported in the literature in individuals affected with OPLAH-related conditions. This variant is not present in population databases (gnomAD no frequency). This sequence change falls in intron 13 of the OPLAH gene. It does not directly change the encoded amino acid sequence of the OPLAH protein.